The following is an entry in ClinVar:

NM_000901.5(NR3C2):c.2534T>G (p.Met845Arg)

Gene: NR3C2 (nuclear receptor subfamily 3 group C member 2; minus strand). Cytogenetic location: 4q31.23.
Variant type: single nucleotide variant.
Coding change: c.2534T>G on transcript NM_000901.5 (MANE Select); coding-DNA position 2534, T replaced by G.
Protein change: p.Met845Arg; replaces methionine 845 with arginine.
Molecular consequence: missense variant. On other transcripts: non-coding transcript variant (1).
Genome position (GRCh38, 1-based): chr4:148,120,265, A>C on the plus strand (T>G on the coding strand, the complement: NR3C2 is on the minus strand). VCF-style: chr4-148120265-A-C. GRCh37 (hg19) VCF-style: chr4-149041416-A-C.
Other names: c.2183T>G, p.Met728Arg (NM_001166104.2, NM_001354819.1); short protein forms M728R, M845R.
Identifiers: ClinVar variation 1722908 (VCV001722908.2), dbSNP rs2530564752, ClinGen allele CA358428443.

ClinVar aggregate classification (germline): Uncertain significance (1 of 4 stars; one submission).

Submission:

GeneDx
Classification: Uncertain significance. Last evaluated: 2022-04-12. Review status: criteria provided, single submitter. Criteria: GeneDx Variant Classification Process June 2021. Collection method: clinical testing. Allele origin: germline. Affected: yes.
Comment: Not observed at significant frequency in large population cohorts (gnomAD); In silico analysis supports that this missense variant has a deleterious effect on protein structure/function; Has not been previously published as pathogenic or benign to our knowledge